The following is an entry in ClinVar:

NM_023110.3(FGFR1):c.615C>T (p.Gly205=)

Gene: FGFR1 (fibroblast growth factor receptor 1; minus strand). Cytogenetic location: 8p11.23.
Variant type: single nucleotide variant.
Coding change: c.615C>T on transcript NM_023110.3 (MANE Select); coding-DNA position 615, C replaced by T.
Protein change: p.Gly205=; no amino-acid change (glycine 205 retained).
Molecular consequence: synonymous variant.
Genome position (GRCh38, 1-based): chr8:38,427,927, G>A on the plus strand (C>T on the coding strand, the complement: FGFR1 is on the minus strand). VCF-style: chr8-38427927-G-A. GRCh37 (hg19) VCF-style: chr8-38285445-G-A.
Other names: c.615C>T, p.Gly205= (NM_001174063.2); c.591C>T, p.Gly197= (NM_001174064.2); c.609C>T, p.Gly203= (NM_001174065.2, NM_001354367.2, NM_001354369.2 and 1 more transcripts); c.348C>T, p.Gly116= (NM_001174066.2, NM_023105.3); c.708C>T, p.Gly236= (NM_001174067.2); c.342C>T, p.Gly114= (NM_001354368.2, NM_001354370.2, NM_023106.3); c.615C>T (NM_023110.2).
Identifiers: ClinVar variation 287594 (VCV000287594.23), dbSNP rs781689191, ClinGen allele CA4718704.

ClinVar aggregate classification (germline): Conflicting classifications of pathogenicity. Review status: criteria provided, conflicting classifications (1 of 4 stars). 5 submissions from 5 submitters: Uncertain significance (1); Likely benign (3). 1 of the submissions does not count toward it. Last evaluated 2025-09-29.

Conditions:
FGFR1-related disorder. Also called: FGFR1-related condition; FGFR1-related disorders. Identifiers: MedGen CN380097.
Pfeiffer syndrome (ACS5). Also called: ACS V. Identifiers: Orphanet 710, MedGen C0220658, MONDO:0007043, OMIM 101600.
Hypogonadotropic hypogonadism 2 with or without anosmia (HH2). Also called: HYPOGONADOTROPIC HYPOGONADISM 2 WITHOUT ANOSMIA; FGFR1-Related GnRH Deficiency (Kallmann Syndrome 2); HYPOGONADOTROPIC HYPOGONADISM 2 WITH OR WITHOUT ANOSMIA, SUSCEPTIBILITY TO; HYPOGONADOTROPIC HYPOGONADISM 2 WITHOUT ANOSMIA, SUSCEPTIBILITY TO. Identifiers: Orphanet 478, MedGen C1563720, MONDO:0007844, OMIM 147950. Disease mechanism: loss of function.

Allele frequency attached by ClinVar (database versions not stated): gnomAD 0.00001; gnomAD exomes 0.00001 and 0.00002; TOPMed 0.00001; ExAC 0.00002.
gnomAD v4.1: 37 of 1,614,116 alleles (0.0023%); highest among the groups gnomAD compares: Middle Eastern, 0.18%; no homozygotes.

Submissions (5):

Labcorp Genetics (formerly Invitae), Labcorp
Classification: Likely benign for Pfeiffer syndrome; Hypogonadotropic hypogonadism 2 with or without anosmia. Last evaluated: 2025-09-29. Review status: criteria provided, single submitter. Criteria: Invitae Variant Classification Sherloc (09022015). Collection method: clinical testing. Allele origin: germline.

CeGaT Center for Human Genetics Tuebingen
Classification: Likely benign. Last evaluated: 2025-07-01. Review status: criteria provided, single submitter. Criteria: CeGaT Center For Human Genetics Tuebingen Variant Classification Criteria Version 2. Collection method: clinical testing. Allele origin: germline. Affected: yes. Observed: 1 variant allele.
Comment: FGFR1: BP4, BP7

Blueprint Genetics
Classification: Likely benign. Last evaluated: 2024-09-17. Review status: criteria provided, single submitter. Criteria: ACMG Guidelines, 2015. Collection method: clinical testing. Allele origin: germline.

Eurofins Ntd Llc (ga)
Classification: Uncertain significance. Last evaluated: 2016-05-12. Review status: criteria provided, single submitter. Criteria: EGL Classification Definitions 2015. Collection method: clinical testing. Allele origin: germline. Observed: 1 variant allele, 1 heterozygote.

PreventionGenetics, part of Exact Sciences
Classification: Likely benign for FGFR1-related condition. Last evaluated: 2019-06-20. Review status: no assertion criteria provided. Collection method: clinical testing. Allele origin: germline. Not counted in ClinVar's aggregate classification.
Comment: This variant is classified as likely benign based on ACMG/AMP sequence variant interpretation guidelines (Richards et al. 2015 PMID: 25741868, with internal and published modifications).